The following is an entry in ClinVar:

ClinVar aggregate classification (germline): Conflicting classifications of pathogenicity. Review status: criteria provided, conflicting classifications (1 of 4 stars). 5 submissions from 5 submitters: Uncertain significance (4); Likely benign (1). Last evaluated 2025-12-16.

Conditions:
TTN-related disorder. Also called: TTN-related disorders; TTN-related condition; TTN-related disease.
Dilated cardiomyopathy 1G (CMD1G). Identifiers: Orphanet 154, MedGen C1858763, MONDO:0011400, OMIM 604145.
Hypertrophic cardiomyopathy 9. Also called: Familial hypertrophic cardiomyopathy 9. Identifiers: MedGen C1861065, MONDO:0013412, OMIM 613765.
Autosomal recessive limb-girdle muscular dystrophy type 2J (LGMDR10). Also called: MUSCULAR DYSTROPHY, LIMB-GIRDLE, AUTOSOMAL RECESSIVE 10; Limb-girdle muscular dystrophy, type 2J. Identifiers: Orphanet 140922, MedGen C1837342, MONDO:0012127, OMIM 608807.
Early-onset myopathy with fatal cardiomyopathy (CMYO5). Also called: CONGENITAL MYOPATHY 5 WITH CARDIOMYOPATHY; Salih Myopathy. Identifiers: Orphanet 289377, MedGen C2673677, MONDO:0012714, OMIM 611705. Disease mechanism: loss of function.
Tibial muscular dystrophy (TMD). Also called: Tibial muscular dystrophy, tardive; Udd Distal Myopathy – Tibial Muscular Dystrophy; UDD MYOPATHY. Identifiers: Orphanet 609, MedGen C1838244, MONDO:0010870, OMIM 600334.
Myopathy, myofibrillar, 9, with early respiratory failure (MFM9). Also called: Myopathy, distal, with early respiratory failure, autosomal dominant; Hereditary myopathy with early respiratory failure; EDSTROM MYOPATHY; MYOPATHY, PROXIMAL, WITH EARLY RESPIRATORY MUSCLE INVOLVEMENT. Identifiers: Orphanet 178464, Orphanet 34521, MedGen C1863599, MONDO:0011362, OMIM 603689.
Hypertrophic cardiomyopathy. Also called: HYPERTROPHIC MYOCARDIOPATHY. Identifiers: Orphanet 217569, MedGen C0007194, MeSH D002312, MONDO:0005045, HP:0001639.

Allele frequency attached by ClinVar (database versions not stated): ExAC 0.00001; TOPMed 0.00001; 1000 Genomes Project 0.00020; 1000 Genomes Project 30x 0.00031.
gnomAD v4.1: 42 of 1,606,984 alleles (0.0026%); highest among the groups gnomAD compares: Non-Finnish European, 0.0034%; no homozygotes.

Submissions (5):

PreventionGenetics, part of Exact Sciences
Classification: Uncertain significance for TTN-related condition. Last evaluated: 2025-12-16. Review status: criteria provided, single submitter. Criteria: ACMG Guidelines, 2015. Collection method: clinical testing. Allele origin: germline.
Comment: The TTN c.86345C>T variant is predicted to result in the amino acid substitution p.Pro28782Leu. This variant has been reported in a case of sudden unexplained death (described as p.Pro27141Leu, Santori et al. 2015. PubMed ID: 26272908). This variant has also been reported in an individual with hypertrophic cardiomyopathy; however, this individual also carried a pathogenic MYH7 variant which could explain the clinical features (described as p.Pro26214Leu in Table S2, Mademont-Soler et al. 2017. PubMed ID: 28771489). This variant is reported in 0.0065% of alleles in individuals of African descent in gnomAD. At this time, the clinical significance of this variant is uncertain due to the absence of conclusive functional and genetic evidence.

Molecular Diagnostic Laboratory for Inherited Cardiovascular Disease, Montreal Heart Institute
Classification: Likely benign. Last evaluated: 2025-04-09. Review status: criteria provided, single submitter. Criteria: ACMG Guidelines, 2015. Collection method: clinical testing. Allele origin: germline. Affected: no.

GeneDx
Classification: Uncertain significance. Last evaluated: 2024-02-20. Review status: criteria provided, single submitter. Criteria: GeneDx Variant Classification Process June 2021. Collection method: clinical testing. Allele origin: germline. Affected: yes.
Comment: Not observed at significant frequency in large population cohorts (gnomAD); Missense variant in a gene in which most reported pathogenic variants are truncating/loss of function; Has been reported in a patient with sudden unexplained death (PMID: 26272908), and in a patient (reported as p.(P26214L) due to the use of an alternate transcript) with hypertrophic cardiomyopathy who also harbored a variant in another gene that likely explained the phenotype (PMID: 26272908, 28771489); This variant is associated with the following publications: (PMID: 28771489, 26272908)

Fulgent Genetics
Classification: Uncertain significance for Tibial muscular dystrophy; Myopathy, myofibrillar, 9, with early respiratory failure; Dilated cardiomyopathy 1G; Autosomal recessive limb-girdle muscular dystrophy type 2J; Early-onset myopathy with fatal cardiomyopathy; Hypertrophic cardiomyopathy 9. Last evaluated: 2021-10-18. Review status: criteria provided, single submitter. Criteria: ACMG Guidelines, 2015. Collection method: clinical testing. Allele origin: unknown.

Center for Advanced Laboratory Medicine, UC San Diego Health, University of California San Diego
Classification: Uncertain significance for Hypertrophic cardiomyopathy. Last evaluated: 2018-03-22. Review status: criteria provided, single submitter. Criteria: ACMG Guidelines, 2015. Collection method: clinical testing. Allele origin: germline. Affected: yes. Observed: 1 variant allele.

NM_001267550.2(TTN):c.86345C>T (p.Pro28782Leu)

Genes: TTN (titin; minus strand), TTN-AS1 (TTN antisense RNA 1; plus strand). Cytogenetic location: 2q31.2.
Variant type: single nucleotide variant.
Coding change: c.86345C>T on transcript NM_001267550.2 (MANE Select); coding-DNA position 86345, C replaced by T.
Protein change: p.Pro28782Leu; replaces proline 28782 with leucine.
Molecular consequence: missense variant.
Genome position (GRCh38, 1-based): chr2:178,559,787, G>A on the plus strand (C>T on the coding strand, the complement: TTN is on the minus strand). VCF-style: chr2-178559787-G-A. GRCh37 (hg19) VCF-style: chr2-179424514-G-A.
Other names: c.86345C>T (NM_001267550.1); c.81422C>T, p.Pro27141Leu (NM_001256850.1); c.59150C>T, p.Pro19717Leu (NM_003319.4); c.78641C>T, p.Pro26214Leu (NM_133378.4); c.59525C>T, p.Pro19842Leu (NM_133432.3); c.59726C>T, p.Pro19909Leu (NM_133437.4); short protein forms P19717L, P19909L, P26214L, P28782L, P19842L, P27141L.
Identifiers: ClinVar variation 691680 (VCV000691680.5), dbSNP rs561319491, ClinGen allele CA1988519.